The following is an entry in ClinVar:

ClinVar aggregate classification (germline): Uncertain significance (1 of 4 stars; one submission).

gnomAD v4.1: 6 of 1,612,142 alleles (0.00037%); highest among the groups gnomAD compares: Admixed American, 0.01%; no homozygotes.

Submission:

Labcorp Genetics (formerly Invitae), Labcorp
Classification: Uncertain significance. Last evaluated: 2025-08-15. Review status: criteria provided, single submitter. Criteria: Invitae Variant Classification Sherloc (09022015). Collection method: clinical testing. Allele origin: germline.
Comment: This sequence change replaces valine, which is neutral and non-polar, with leucine, which is neutral and non-polar, at codon 142 of the ATP2C1 protein (p.Val142Leu). This variant is present in population databases (rs139529865, gnomAD 0.006%). This variant has not been reported in the literature in individuals affected with ATP2C1-related conditions. An algorithm developed to predict the effect of missense changes on protein structure and function (PolyPhen-2) suggests that this variant is likely to be tolerated. In summary, the available evidence is currently insufficient to determine the role of this variant in disease. Therefore, it has been classified as a Variant of Uncertain Significance.

NM_001378687.1(ATP2C1):c.424G>C (p.Val142Leu)

Gene: ATP2C1 (ATPase secretory pathway Ca2+ transporting 1; plus strand). Cytogenetic location: 3q22.1.
Variant type: single nucleotide variant.
Coding change: c.424G>C on transcript NM_001378687.1 (MANE Select); coding-DNA position 424, G replaced by C.
Protein change: p.Val142Leu; replaces valine 142 with leucine.
Molecular consequence: missense variant.
Genome position (GRCh38, 1-based): chr3:130,941,592, G>C. VCF-style: chr3-130941592-G-C. GRCh37 (hg19) VCF-style: chr3-130660436-G-C.
Other names: c.424G>C, p.Val142Leu (NM_001001485.3, NM_001001486.2, NM_001001487.2 and 5 more transcripts); c.526G>C, p.Val176Leu (NM_001199180.2, NM_001199181.3, NM_001378511.1); c.409G>C, p.Val137Leu (NM_001199182.2); c.376G>C, p.Val126Leu (NM_001199183.2, NM_001199184.3, NM_001378514.1); short protein forms V126L, V176L, V137L, V142L.
Identifiers: ClinVar variation 4708904 (VCV004708904.1).
Genomic context (GRCh38, chr3:130,941,592, plus strand): 5'-AAGACAAGTTGCATGAATTTTTTTTTTTTAACCATGGTTGTTTCTATTTCGTGTTACAGT[G>C]TGCGTGAAGGAAAATTGGAGCATACACTTGCCCGAGACTTGGTTCCAGGTGATACAGTTT-3'
Protein context (NP_001365616.1, residues 132-152): SKLVPPECHC[Val142Leu]REGKLEHTLA